The following is an entry in ClinVar:

NM_001164508.2(NEB):c.16760G>A (p.Gly5587Glu)

Gene: NEB (nebulin; minus strand). Cytogenetic location: 2q23.3.
Variant type: single nucleotide variant.
Coding change: c.16760G>A on transcript NM_001164508.2 (MANE Select); coding-DNA position 16760, G replaced by A.
Protein change: p.Gly5587Glu; replaces glycine 5587 with glutamic acid.
Molecular consequence: missense variant.
Genome position (GRCh38, 1-based): chr2:151,576,299, C>T on the plus strand (G>A on the coding strand, the complement: NEB is on the minus strand). VCF-style: chr2-151576299-C-T. GRCh37 (hg19) VCF-style: chr2-152432813-C-T.
Other names: c.16760G>A, p.Gly5587Glu (NM_001164507.2, NM_001271208.2); c.11657G>A, p.Gly3886Glu (NM_004543.5); short protein forms G3886E, G5587E.
Identifiers: ClinVar variation 1060587 (VCV001060587.9), dbSNP rs1243813979, ClinGen allele CA348810851.

ClinVar aggregate classification (germline): Uncertain significance (1 of 4 stars; one submission).

Conditions:
Nemaline myopathy 2 (NEM2). Also called: Nemaline myopathy 2, autosomal recessive. Identifiers: MedGen C1850569, MONDO:0009725, OMIM 256030.

Allele frequency attached by ClinVar (database versions not stated): gnomAD 0.00001.
gnomAD v4.1: 1 of 1,609,536 alleles (0.000062%); highest among the groups gnomAD compares: Non-Finnish European, 0.000085%; no homozygotes.

Submission:

Labcorp Genetics (formerly Invitae), Labcorp
Classification: Uncertain significance for Nemaline myopathy 2. Last evaluated: 2022-07-12. Review status: criteria provided, single submitter. Criteria: Invitae Variant Classification Sherloc (09022015). Collection method: clinical testing. Allele origin: germline.
Comment: In summary, the available evidence is currently insufficient to determine the role of this variant in disease. Therefore, it has been classified as a Variant of Uncertain Significance. Algorithms developed to predict the effect of missense changes on protein structure and function are either unavailable or do not agree on the potential impact of this missense change (SIFT: "Deleterious"; PolyPhen-2: "Not Available"; Align-GVGD: "Class C0"). ClinVar contains an entry for this variant (Variation ID: 1060587). This variant has not been reported in the literature in individuals affected with NEB-related conditions. This variant is present in population databases (no rsID available, gnomAD 0.007%). This sequence change replaces glycine, which is neutral and non-polar, with glutamic acid, which is acidic and polar, at codon 5587 of the NEB protein (p.Gly5587Glu).